The following is an entry in ClinVar:

NM_001083962.2(TCF4):c.1755C>G (p.Asn585Lys)

Gene: TCF4 (transcription factor 4; minus strand). Cytogenetic location: 18q21.2.
Variant type: single nucleotide variant.
Coding change: c.1755C>G on transcript NM_001083962.2 (MANE Select); coding-DNA position 1755, C replaced by G.
Protein change: p.Asn585Lys; replaces asparagine 585 with lysine.
Molecular consequence: missense variant.
Genome position (GRCh38, 1-based): chr18:55,228,971, G>C on the plus strand (C>G on the coding strand, the complement: TCF4 is on the minus strand). VCF-style: chr18-55228971-G-C. GRCh37 (hg19) VCF-style: chr18-52896202-G-C.
Other names: c.1668C>G, p.Asn556Lys (NM_001348220.1, NM_001369584.1, NM_001369585.1); c.1755C>G, p.Asn585Lys (NM_001369567.1, NM_001369568.1); c.1752C>G, p.Asn584Lys (NM_001369569.1, NM_001369570.1, NM_001330604.3); c.1743C>G, p.Asn581Lys (NM_001369571.1, NM_001369572.1, NM_003199.3); c.1740C>G, p.Asn580Lys (NM_001369573.1, NM_001369574.1); c.1683C>G, p.Asn561Lys (NM_001369575.1, NM_001243227.2, NM_001348217.1 and 1 more transcripts); c.2061C>G, p.Asn687Lys (NM_001243226.3); c.1773C>G, p.Asn591Lys (NM_001243228.2); and 14 more; short protein forms N369K, N420K, N421K, N425K, N451K, N455K, N510K, N514K.
Identifiers: ClinVar variation 5042043 (VCV005042043.1).
Genomic context (GRCh38, chr18:55,228,971, plus strand): 5'-CTGGGGCTTGTCACTCTTGAGGTGGAGCTGCACCATGCGGCCGAGCTCTTTGAAAGCCTC[G>C]TTGATGTCACGGACCCGCAGACGCTCTCGGGCATTGTTGGCCATCCTCCGCTCCTTCTCA-3'
Protein context (NP_001077431.1, residues 575-595): ARERLRVRDI[Asn585Lys]EAFKELGRMV

ClinVar aggregate classification (germline): Pathogenic (1 of 4 stars; one submission).

Conditions:
Pitt-Hopkins syndrome (PTHS). Also called: ENCEPHALOPATHY, SEVERE EPILEPTIC, WITH AUTONOMIC DYSFUNCTION; MENTAL RETARDATION, SYNDROMAL, WITH INTERMITTENT HYPERVENTILATION. Identifiers: Orphanet 2896, MedGen C1970431, MONDO:0012589, OMIM 610954.

Submission:

Clinical Genetics Laboratory, University Hospital Schleswig-Holstein
Classification: Pathogenic for Pitt-Hopkins syndrome. Last evaluated: 2025-05-06. Review status: criteria provided, single submitter. Criteria: ACMG Guidelines, 2015. Collection method: clinical testing. Allele origin: de novo. Affected: yes. Observed: 1 heterozygote.
Comment: ACMG criteria applied: PM2, PP3, PS2, PM1, PM5